The following is an entry in ClinVar:

ClinVar aggregate classification (germline): Likely pathogenic (1 of 4 stars; one submission).

Conditions:
Nemaline myopathy 5 (NEM5A). Also called: NEMALINE MYOPATHY, AMISH TYPE; Nemaline myopathy 5, Amish type; NEMALINE MYOPATHY 5A, AUTOSOMAL RECESSIVE, SEVERE INFANTILE. Identifiers: Orphanet 98902, MedGen C1854380, MONDO:0011539, OMIM 605355.

Submission:

Labcorp Genetics (formerly Invitae), Labcorp
Classification: Likely pathogenic for Nemaline myopathy 5. Last evaluated: 2024-02-16. Review status: criteria provided, single submitter. Criteria: Invitae Variant Classification Sherloc (09022015). Collection method: clinical testing. Allele origin: germline.
Comment: This sequence change affects an acceptor splice site in intron 13 of the TNNT1 gene. While this variant is not anticipated to result in nonsense mediated decay, it likely alters RNA splicing and results in a disrupted protein product. This variant is not present in population databases (gnomAD no frequency). Disruption of this splice site has been observed in individual(s) with clinical features of nemaline myopathy (Invitae). ClinVar contains an entry for this variant (Variation ID: 465998). Variants that disrupt the consensus splice site are a relatively common cause of aberrant splicing (PMID: 17576681, 9536098). In summary, the currently available evidence indicates that the variant is pathogenic, but additional data are needed to prove that conclusively. Therefore, this variant has been classified as Likely Pathogenic.

Literature cited by the submitters: PubMed 17576681; PubMed 9536098.

NM_003283.6(TNNT1):c.792-2A>G

Gene: TNNT1 (troponin T1, slow skeletal type; minus strand). Cytogenetic location: 19q13.42.
Variant type: single nucleotide variant.
Coding change: c.792-2A>G on transcript NM_003283.6 (MANE Select); the canonical splice acceptor site of the intron before coding-DNA position 792, A replaced by G.
Molecular consequence: splice acceptor variant.
Genome position (GRCh38, 1-based): chr19:55,132,962, T>C on the plus strand (A>G on the coding strand, the complement: TNNT1 is on the minus strand). VCF-style: chr19-55132962-T-C. GRCh37 (hg19) VCF-style: chr19-55644330-T-C.
Other names: c.711-2A>G (NM_001126133.3, NM_001291774.2); c.744-2A>G (NM_001126132.3).
Identifiers: ClinVar variation 465998 (VCV000465998.9), dbSNP rs1555855228, ClinGen allele CA407430807.
Genomic context (GRCh38, chr19:55,132,962, plus strand): 5'-CGGGGCGGCATCCTCACTTCCAGCGGCCTCCAACGCGGCCCTTCCCTGCCCCCTTCCGGC[T>C]GTAGAAGAATGAGGTGGTATCAGGAAAAAGGGGCCCCTCCAGTCTCTGAAATGGGCCCCA-3'